The following is an entry in ClinVar:

NM_130837.3(OPA1):c.50T>C (p.Leu17Ser)

Gene: OPA1 (OPA1 mitochondrial dynamin like GTPase; plus strand). Cytogenetic location: 3q29.
Variant type: single nucleotide variant.
Coding change: c.50T>C on transcript NM_130837.3 (MANE Select); coding-DNA position 50, T replaced by C.
Protein change: p.Leu17Ser; replaces leucine 17 with serine.
Molecular consequence: missense variant. On other transcripts: 5 prime UTR variant (2).
Genome position (GRCh38, 1-based): chr3:193,614,740, T>C. VCF-style: chr3-193614740-T-C. GRCh37 (hg19) VCF-style: chr3-193332529-T-C.
Other names: c.-323T>C (NM_001354663.2, NM_001354664.2); c.50T>C, p.Leu17Ser (NM_015560.3, NM_130831.3, NM_130832.3 and 4 more transcripts); short protein forms L17S.
Identifiers: ClinVar variation 4774381 (VCV004774381.1).

ClinVar aggregate classification (germline): Uncertain significance (1 of 4 stars; one submission).

gnomAD v4.1: 2 of 1,613,598 alleles (0.00012%); highest among the groups gnomAD compares: Admixed American, 0.0017%; no homozygotes.

Submission:

Labcorp Genetics (formerly Invitae), Labcorp
Classification: Uncertain significance. Last evaluated: 2025-10-15. Review status: criteria provided, single submitter. Criteria: Invitae Variant Classification Sherloc (09022015). Collection method: clinical testing. Allele origin: germline.
Comment: This sequence change replaces leucine, which is neutral and non-polar, with serine, which is neutral and polar, at codon 17 of the OPA1 protein (p.Leu17Ser). This variant is not present in population databases (gnomAD no frequency). This variant has not been reported in the literature in individuals affected with OPA1-related conditions. Invitae Evidence Modeling of protein sequence and biophysical properties (such as structural, functional, and spatial information, amino acid conservation, physicochemical variation, residue mobility, and thermodynamic stability) has been performed for this missense variant. However, the output from this modeling did not meet the statistical confidence thresholds required to predict the impact of this variant on OPA1 protein function. In summary, the available evidence is currently insufficient to determine the role of this variant in disease. Therefore, it has been classified as a Variant of Uncertain Significance.